The following is an entry in ClinVar:

ClinVar aggregate classification (germline): Uncertain significance (1 of 4 stars; one submission).

Submission:

Labcorp Genetics (formerly Invitae), Labcorp
Classification: Uncertain significance. Last evaluated: 2023-12-18. Review status: criteria provided, single submitter. Criteria: Invitae Variant Classification Sherloc (09022015). Collection method: clinical testing. Allele origin: germline.
Comment: This sequence change falls in intron 21 of the TNNI3K gene. It does not directly change the encoded amino acid sequence of the TNNI3K protein. This variant is not present in population databases (gnomAD no frequency). This variant has not been reported in the literature in individuals affected with TNNI3K-related conditions. Experimental studies and prediction algorithms are not available or were not evaluated, and the effect of this variant on mRNA splicing is currently unknown. In summary, the available evidence is currently insufficient to determine the role of this variant in disease. Therefore, it has been classified as a Variant of Uncertain Significance.

NM_015978.3(TNNI3K):c.2122-31_2122-15del

Genes: FPGT-TNNI3K (FPGT-TNNI3K readthrough; plus strand), LRRC53 (leucine rich repeat containing 53; minus strand), TNNI3K (TNNI3 interacting kinase; plus strand). Cytogenetic location: 1p31.1.
Variant type: Deletion.
Coding change: c.2122-31_2122-15del on transcript NM_015978.3 (MANE Select); 31 bases into the intron before coding-DNA position 2122 through 15 bases into the intron before coding-DNA position 2122, 17 bases deleted (AAGGGAAAAAAGTTCTT).
Molecular consequence: intron variant.
Genome position (GRCh38, 1-based): chr1:74,489,158-74,489,174, AAGGGAAAAAAGTTCTT deleted; deleting any 17 consecutive bases within chr1:74,489,153-74,489,174 gives the same sequence; the c. name uses the placement nearest the transcript's 3' end. VCF-style (leftmost placement, unchanged base first): chr1-74489152-ATTCTTAAGGGAAAAAAG-A. GRCh37 (hg19) VCF-style: chr1-74954836-ATTCTTAAGGGAAAAAAG-A.
Other names: c.2425-31_2425-15del (NM_001112808.3); c.-8-8201_-8-8185del (NM_001364666.2); c.-26-5794_-26-5778del (NM_001382280.1).
Identifiers: ClinVar variation 2803146 (VCV002803146.3), dbSNP rs1668912333, ClinGen allele CA1003239723.